The following is an entry in ClinVar:

ClinVar aggregate classification (germline): Uncertain significance (1 of 4 stars; one submission).

Submission:

Labcorp Genetics (formerly Invitae), Labcorp
Classification: Uncertain significance. Last evaluated: 2022-09-27. Review status: criteria provided, single submitter. Criteria: Invitae Variant Classification Sherloc (09022015). Collection method: clinical testing. Allele origin: germline.
Comment: In summary, the available evidence is currently insufficient to determine the role of this variant in disease. Therefore, it has been classified as a Variant of Uncertain Significance. Algorithms developed to predict the effect of missense changes on protein structure and function are either unavailable or do not agree on the potential impact of this missense change (SIFT: "Deleterious"; PolyPhen-2: "Possibly Damaging"; Align-GVGD: "Class C0"). This variant has not been reported in the literature in individuals affected with AHDC1-related conditions. This variant is not present in population databases (gnomAD no frequency). This sequence change replaces arginine, which is basic and polar, with cysteine, which is neutral and slightly polar, at codon 545 of the AHDC1 protein (p.Arg545Cys).

NM_001371928.1(AHDC1):c.1633C>T (p.Arg545Cys)

Gene: AHDC1 (AT-hook DNA binding motif containing 1; minus strand). Cytogenetic location: 1p36.11.
Variant type: single nucleotide variant.
Coding change: c.1633C>T on transcript NM_001371928.1 (MANE Select); coding-DNA position 1633, C replaced by T.
Protein change: p.Arg545Cys; replaces arginine 545 with cysteine.
Molecular consequence: missense variant.
Genome position (GRCh38, 1-based): chr1:27,550,483, G>A on the plus strand (C>T on the coding strand, the complement: AHDC1 is on the minus strand). VCF-style: chr1-27550483-G-A. GRCh37 (hg19) VCF-style: chr1-27876994-G-A.
Other names: c.1633C>T, p.Arg545Cys (NM_001029882.3); short protein forms R545C.
Identifiers: ClinVar variation 1716856 (VCV001716856.5), dbSNP rs2522001250, ClinGen allele CA339233667.